The following is an entry in ClinVar:

NM_021619.3(PRDM12):c.406A>G (p.Met136Val)

Genes: PRDM12 (PR/SET domain 12; plus strand), LOC126860775 (CDK7 strongly-dependent group 2 enhancer GRCh37_chr9:133541982-133543181; plus strand). Cytogenetic location: 9q34.12.
Variant type: single nucleotide variant.
Coding change: c.406A>G on transcript NM_021619.3 (MANE Select); coding-DNA position 406, A replaced by G.
Protein change: p.Met136Val; replaces methionine 136 with valine.
Molecular consequence: missense variant.
Genome position (GRCh38, 1-based): chr9:130,666,790, A>G. VCF-style: chr9-130666790-A-G. GRCh37 (hg19) VCF-style: chr9-133542177-A-G.
Other names: short protein forms M136V.
Identifiers: ClinVar variation 1468508 (VCV001468508.8), dbSNP rs2132589253, ClinGen allele CA375246745.

ClinVar aggregate classification (germline): Uncertain significance (1 of 4 stars; one submission).

Conditions:
Congenital insensitivity to pain-hypohidrosis syndrome. Also called: HSAN VIII; Neuropathy, hereditary sensory and autonomic, type VIII. Identifiers: Orphanet 478664, MedGen C4225308, MONDO:0014662, OMIM 616488.

Submission:

Labcorp Genetics (formerly Invitae), Labcorp
Classification: Uncertain significance for Congenital insensitivity to pain-hypohidrosis syndrome. Last evaluated: 2021-05-19. Review status: criteria provided, single submitter. Criteria: Invitae Variant Classification Sherloc (09022015). Collection method: clinical testing. Allele origin: germline.
Comment: This variant is not present in population databases (ExAC no frequency). In summary, the available evidence is currently insufficient to determine the role of this variant in disease. Therefore, it has been classified as a Variant of Uncertain Significance. Algorithms developed to predict the effect of missense changes on protein structure and function are either unavailable or do not agree on the potential impact of this missense change (SIFT: "Deleterious"; PolyPhen-2: "Benign"; Align-GVGD: "Class C0"). This variant has not been reported in the literature in individuals with PRDM12-related conditions. This sequence change replaces methionine with valine at codon 136 of the PRDM12 protein (p.Met136Val). The methionine residue is highly conserved and there is a small physicochemical difference between methionine and valine.